The following is an entry in ClinVar:

ClinVar aggregate classification (germline): Pathogenic (1 of 4 stars; one submission).

Conditions:
Primary ciliary dyskinesia 9. Also called: CILIARY DYSKINESIA, PRIMARY, 9, WITH OR WITHOUT SITUS INVERSUS. Identifiers: Orphanet 244, MedGen C2676235, MONDO:0012906, OMIM 612444.

Submission:

Myriad Genetics, Inc.
Classification: Pathogenic for Primary ciliary dyskinesia 9. Last evaluated: 2024-07-27. Review status: criteria provided, single submitter. Criteria: Myriad Autosomal Dominant, Autosomal Recessive and X-Linked Classification Criteria (2023). Collection method: clinical testing. Allele origin: unknown.
Comment: NM_023036.4(DNAI2):c.610G>T(E204*) is expected to be pathogenic in the context of primary ciliary dyskinesia, DNAI2-related. This variant is predicted to lead to an abnormal or absent protein product due to the creation of a premature termination codon in DNAI2, a gene where loss-of-function variants are known to be pathogenic. Please note: this variant was assessed in the context of healthy population screening.

NM_023036.6(DNAI2):c.610G>T (p.Glu204Ter)

Gene: DNAI2 (dynein axonemal intermediate chain 2; plus strand). Cytogenetic location: 17q25.1.
Variant type: single nucleotide variant.
Coding change: c.610G>T on transcript NM_023036.6 (MANE Select); coding-DNA position 610, G replaced by T.
Protein change: p.Glu204Ter; replaces glutamic acid 204 with a stop codon.
Molecular consequence: nonsense. On other transcripts: non-coding transcript variant (1).
Genome position (GRCh38, 1-based): chr17:74,289,736, G>T. VCF-style: chr17-74289736-G-T. GRCh37 (hg19) VCF-style: chr17-72285875-G-T.
Other names: c.610G>T, p.Glu204Ter (NM_001172810.3, NM_001353167.2); short protein forms E204*.
Identifiers: ClinVar variation 5013383 (VCV005013383.1).